The following is an entry in ClinVar:

NM_001572.5(IRF7):c.299G>A (p.Arg100His)

Gene: IRF7 (interferon regulatory factor 7; minus strand). Cytogenetic location: 11p15.5.
Variant type: single nucleotide variant.
Coding change: c.299G>A on transcript NM_001572.5 (MANE Select); coding-DNA position 299, G replaced by A.
Protein change: p.Arg100His; replaces arginine 100 with histidine.
Molecular consequence: missense variant.
Genome position (GRCh38, 1-based): chr11:614,892, C>T on the plus strand (G>A on the coding strand, the complement: IRF7 is on the minus strand). VCF-style: chr11-614892-C-T. GRCh37 (hg19) VCF-style: chr11-614892-C-T.
Other names: c.299G>A, p.Arg100His (NM_004029.4); c.338G>A, p.Arg113His (NM_004031.4); short protein forms R100H, R113H.
Identifiers: ClinVar variation 3605032 (VCV003605032.2).

ClinVar aggregate classification (germline): Uncertain significance (1 of 4 stars; one submission).

Conditions:
Immunodeficiency 39 (IMD39). Identifiers: Orphanet 574918, MedGen C4225358, MONDO:0014597, OMIM 616345.

Submission:

Labcorp Genetics (formerly Invitae), Labcorp
Classification: Uncertain significance for Immunodeficiency 39. Last evaluated: 2024-01-31. Review status: criteria provided, single submitter. Criteria: Invitae Variant Classification Sherloc (09022015). Collection method: clinical testing. Allele origin: germline.
Comment: This sequence change replaces arginine, which is basic and polar, with histidine, which is basic and polar, at codon 113 of the IRF7 protein (p.Arg113His). This variant is not present in population databases (gnomAD no frequency). This variant has not been reported in the literature in individuals affected with IRF7-related conditions. Advanced modeling of protein sequence and biophysical properties (such as structural, functional, and spatial information, amino acid conservation, physicochemical variation, residue mobility, and thermodynamic stability) performed at Invitae indicates that this missense variant is not expected to disrupt IRF7 protein function with a negative predictive value of 80%. In summary, the available evidence is currently insufficient to determine the role of this variant in disease. Therefore, it has been classified as a Variant of Uncertain Significance.